The following is an entry in ClinVar:

NM_005612.5(REST):c.533T>A (p.Ile178Asn)

Gene: REST (RE1 silencing transcription factor; plus strand). Cytogenetic location: 4q12.
Variant type: single nucleotide variant.
Coding change: c.533T>A on transcript NM_005612.5 (MANE Select); coding-DNA position 533, T replaced by A.
Protein change: p.Ile178Asn; replaces isoleucine 178 with asparagine.
Molecular consequence: missense variant.
Genome position (GRCh38, 1-based): chr4:56,911,171, T>A. VCF-style: chr4-56911171-T-A. GRCh37 (hg19) VCF-style: chr4-57777337-T-A.
Other names: c.533T>A, p.Ile178Asn (NM_001193508.2, NM_001363453.3); short protein forms I178N.
Identifiers: ClinVar variation 2631409 (VCV002631409.1), dbSNP rs2475799536, ClinGen allele CA357004242.

ClinVar aggregate classification (germline): Uncertain significance (1 of 4 stars; one submission).

Conditions:
REST-related disorder. Also called: REST-related condition.

Allele frequency attached by ClinVar (database versions not stated): gnomAD exomes below 0.00001.
gnomAD v4.1: 1 of 1,614,168 alleles (0.000062%); highest among the groups gnomAD compares: Non-Finnish European, 0.000085%; no homozygotes.

Submission:

PreventionGenetics, part of Exact Sciences
Classification: Uncertain significance for REST-related condition. Last evaluated: 2023-09-14. Review status: criteria provided, single submitter. Criteria: ACMG Guidelines, 2015. Collection method: clinical testing. Allele origin: germline.
Comment: The REST c.533T>A variant is predicted to result in the amino acid substitution p.Ile178Asn. To our knowledge, this variant has not been reported in the literature or in a large population database, indicating this variant is rare. At this time, the clinical significance of this variant is uncertain due to the absence of conclusive functional and genetic evidence.